The following is an entry in ClinVar:

ClinVar aggregate classification (germline): Uncertain significance. Review status: criteria provided, multiple submitters, no conflicts (2 of 4 stars). 2 submissions from 2 submitters: Uncertain significance (2). Last evaluated 2023-09-19.

Conditions:
Breast-ovarian cancer, familial, susceptibility to, 5 (BROVCA5). Identifiers: MedGen C5830615, MONDO:0957530, OMIM 620442.
Familial cancer of breast. Also called: hereditary breast carcinoma; BREAST CANCER, FAMILIAL; Hereditary breast cancer. Identifiers: Orphanet 227535, MedGen C0346153, MONDO:0016419, OMIM 114480. Disease mechanism: loss of function.

Allele frequency attached by ClinVar (database versions not stated): gnomAD 0.00001.

Submissions (2):

Department of Pathology and Laboratory Medicine, Sinai Health System
Classification: Uncertain significance for Breast-ovarian cancer, familial, susceptibility to, 5. Last evaluated: 2023-09-19. Review status: criteria provided, single submitter. Criteria: ACMG Guidelines, 2015. Collection method: clinical testing. Allele origin: germline. Affected: yes.

Labcorp Genetics (formerly Invitae), Labcorp
Classification: Uncertain significance for Familial cancer of breast. Last evaluated: 2023-02-27. Review status: criteria provided, single submitter. Criteria: Invitae Variant Classification Sherloc (09022015). Collection method: clinical testing. Allele origin: germline.
Comment: This variant, c.3287_3289del, is a complex sequence change that results in the deletion of 2 and insertion of 1 amino acid(s) in the PALB2 protein (p.Asn1096_Pro1097delinsThr). This variant is not present in population databases (gnomAD no frequency). This variant has not been reported in the literature in individuals affected with PALB2-related conditions. Experimental studies and prediction algorithms are not available or were not evaluated, and the functional significance of this variant is currently unknown. In summary, the available evidence is currently insufficient to determine the role of this variant in disease. Therefore, it has been classified as a Variant of Uncertain Significance.

NM_024675.4(PALB2):c.3287_3289del (p.Asn1096_Pro1097delinsThr)

Gene: PALB2 (partner and localizer of BRCA2; minus strand). Cytogenetic location: 16p12.2.
Variant type: Deletion.
Coding change: c.3287_3289del on transcript NM_024675.4 (MANE Select); coding-DNA positions 3287 to 3289, 3 bases deleted (ACC; older notation c.3287_3289delACC).
Protein change: p.Asn1096_Pro1097delinsThr.
Molecular consequence: inframe indel. On other transcripts: intron variant (8).
Genome position (GRCh38, 1-based): chr16:23,607,925-23,607,927, GGT deleted on the plus strand (ACC on the coding strand, the reverse complement: PALB2 is on the minus strand). VCF-style (leftmost placement, unchanged base first): chr16-23607924-GGGT-G. GRCh37 (hg19) VCF-style: chr16-23619245-GGGT-G.
Other names: c.3227_3229del, p.Asn1076_Pro1077delinsThr (NM_001407296.1); c.3215_3217del, p.Asn1072_Pro1073delinsThr (NM_001407297.1); c.3125_3127del, p.Asn1042_Pro1043delinsThr (NM_001407298.1); c.3008_3010del, p.Asn1003_Pro1004delinsThr (NM_001407300.1); c.2402_2404del, p.Asn801_Pro802delinsThr (NM_001407304.1, NM_001407305.1, NM_001407306.1); c.2240_2242del, p.Asn747_Pro748delinsThr (NM_001407307.1); c.1499_1501del, p.Asn500_Pro501delinsThr (NM_001407312.1); c.821_823del, p.Asn274_Pro275delinsThr (NM_001407314.1); and 6 more.
Identifiers: ClinVar variation 2888762 (VCV002888762.4), dbSNP rs1966508356, ClinGen allele CA975716149.